The following is an entry in ClinVar:

NM_022726.4(ELOVL4):c.844G>A (p.Ala282Thr)

Gene: ELOVL4 (ELOVL fatty acid elongase 4; minus strand). Cytogenetic location: 6q14.1.
Variant type: single nucleotide variant.
Coding change: c.844G>A on transcript NM_022726.4 (MANE Select); coding-DNA position 844, G replaced by A.
Protein change: p.Ala282Thr; replaces alanine 282 with threonine.
Molecular consequence: missense variant.
Genome position (GRCh38, 1-based): chr6:79,916,709, C>T on the plus strand (G>A on the coding strand, the complement: ELOVL4 is on the minus strand). VCF-style: chr6-79916709-C-T. GRCh37 (hg19) VCF-style: chr6-80626426-C-T.
Other names: short protein forms A282T.
Identifiers: ClinVar variation 2789686 (VCV002789686.3), dbSNP rs1439507939, ClinGen allele CA364655724.

ClinVar aggregate classification (germline): Uncertain significance (1 of 4 stars; one submission).

Allele frequency attached by ClinVar (database versions not stated): gnomAD 0.00001; gnomAD exomes 0.00001.
gnomAD v4.1: 14 of 1,614,020 alleles (0.00087%); highest among the groups gnomAD compares: South Asian, 0.014%; no homozygotes.

Submission:

Labcorp Genetics (formerly Invitae), Labcorp
Classification: Uncertain significance. Last evaluated: 2023-04-10. Review status: criteria provided, single submitter. Criteria: Invitae Variant Classification Sherloc (09022015). Collection method: clinical testing. Allele origin: germline.
Comment: In summary, the available evidence is currently insufficient to determine the role of this variant in disease. Therefore, it has been classified as a Variant of Uncertain Significance. Algorithms developed to predict the effect of missense changes on protein structure and function output the following: SIFT: "Not Available"; PolyPhen-2: "Benign"; Align-GVGD: "Not Available". The threonine amino acid residue is found in multiple mammalian species, which suggests that this missense change does not adversely affect protein function. This variant has not been reported in the literature in individuals affected with ELOVL4-related conditions. This variant is present in population databases (no rsID available, gnomAD 0.01%). This sequence change replaces alanine, which is neutral and non-polar, with threonine, which is neutral and polar, at codon 282 of the ELOVL4 protein (p.Ala282Thr).